The following is an entry in ClinVar:

NM_001966.4(EHHADH):c.463G>C (p.Gly155Arg)

Gene: EHHADH (enoyl-CoA hydratase and 3-hydroxyacyl CoA dehydrogenase; minus strand). Cytogenetic location: 3q27.2.
Variant type: single nucleotide variant.
Coding change: c.463G>C on transcript NM_001966.4 (MANE Select); coding-DNA position 463, G replaced by C.
Protein change: p.Gly155Arg; replaces glycine 155 with arginine.
Molecular consequence: missense variant.
Genome position (GRCh38, 1-based): chr3:185,229,432, C>G on the plus strand (G>C on the coding strand, the complement: EHHADH is on the minus strand). VCF-style: chr3-185229432-C-G. GRCh37 (hg19) VCF-style: chr3-184947220-C-G.
Other names: c.175G>C, p.Gly59Arg (NM_001166415.2); short protein forms G155R, G59R.
Identifiers: ClinVar variation 3345935 (VCV003345935.1).

ClinVar aggregate classification (germline): Uncertain significance (0 of 4 stars; one submission).

Conditions:
EHHADH-related disorder. Also called: EHHADH-related condition.

gnomAD v4.1: 11 of 1,520,310 alleles (0.00072%); highest among the groups gnomAD compares: African/African-American, 0.014%; no homozygotes.

Submission:

PreventionGenetics, part of Exact Sciences
Classification: Uncertain significance for EHHADH-related condition. Last evaluated: 2024-05-22. Review status: no assertion criteria provided. Collection method: clinical testing. Allele origin: germline.
Comment: The EHHADH c.463G>C variant is predicted to result in the amino acid substitution p.Gly155Arg. To our knowledge, this variant has not been reported in the literature. This variant is reported in 0.0085% of alleles in individuals of African descent in gnomAD. At this time, the clinical significance of this variant is uncertain due to the absence of conclusive functional and genetic evidence.